The following is an entry in ClinVar:

NM_000147.5(FUCA1):c.1237C>T (p.Pro413Ser)

Gene: FUCA1 (alpha-L-fucosidase 1; minus strand). Cytogenetic location: 1p36.11.
Variant type: single nucleotide variant.
Coding change: c.1237C>T on transcript NM_000147.5 (MANE Select); coding-DNA position 1237, C replaced by T.
Protein change: p.Pro413Ser; replaces proline 413 with serine.
Molecular consequence: missense variant. On other transcripts: non-coding transcript variant (4).
Genome position (GRCh38, 1-based): chr1:23,846,097, G>A on the plus strand (C>T on the coding strand, the complement: FUCA1 is on the minus strand). VCF-style: chr1-23846097-G-A. GRCh37 (hg19) VCF-style: chr1-24172587-G-A.
Other names: short protein forms P413S.
Identifiers: ClinVar variation 2114815 (VCV002114815.2), dbSNP rs776717041, ClinGen allele CA686312.

ClinVar aggregate classification (germline): Uncertain significance. Review status: criteria provided, multiple submitters, no conflicts (2 of 4 stars). 2 submissions from 2 submitters: Uncertain significance (2). Last evaluated 2022-03-20.

Conditions:
Fucosidosis. Also called: ALPHA-L-FUCOSIDASE DEFICIENCY. Identifiers: Orphanet 349, MedGen C0016788, MONDO:0009254, OMIM 230000.
Inborn genetic diseases. Identifiers: MedGen C0950123, MeSH D030342.

Allele frequency attached by ClinVar (database versions not stated): gnomAD exomes below 0.00001; TOPMed 0.00001; ExAC 0.00002.
gnomAD v4.1: 1 of 1,613,754 alleles (0.000062%); highest among the groups gnomAD compares: Middle Eastern, 0.017%; no homozygotes.

Submissions (2):

Labcorp Genetics (formerly Invitae), Labcorp
Classification: Uncertain significance for Fucosidosis. Last evaluated: 2022-03-20. Review status: criteria provided, single submitter. Criteria: Invitae Variant Classification Sherloc (09022015). Collection method: clinical testing. Allele origin: germline.
Comment: This sequence change replaces proline, which is neutral and non-polar, with serine, which is neutral and polar, at codon 413 of the FUCA1 protein (p.Pro413Ser). This variant is present in population databases (rs776717041, gnomAD 0.006%). This variant has not been reported in the literature in individuals affected with FUCA1-related conditions. Algorithms developed to predict the effect of missense changes on protein structure and function are either unavailable or do not agree on the potential impact of this missense change (SIFT: "Tolerated"; PolyPhen-2: "Probably Damaging"; Align-GVGD: "Class C0"). In summary, the available evidence is currently insufficient to determine the role of this variant in disease. Therefore, it has been classified as a Variant of Uncertain Significance.

Ambry Genetics
Classification: Uncertain significance for Inborn genetic diseases. Last evaluated: 2021-06-18. Review status: criteria provided, single submitter. Criteria: Ambry Variant Classification Scheme 2023. Collection method: clinical testing. Allele origin: germline.